The following is an entry in ClinVar:

NM_005202.4(COL8A2):c.464G>A (p.Arg155Gln)

Gene: COL8A2 (collagen type VIII alpha 2 chain; minus strand). Cytogenetic location: 1p34.3.
Variant type: single nucleotide variant.
Coding change: c.464G>A on transcript NM_005202.4 (MANE Select); coding-DNA position 464, G replaced by A.
Protein change: p.Arg155Gln; replaces arginine 155 with glutamine.
Molecular consequence: missense variant.
Genome position (GRCh38, 1-based): chr1:36,099,217, C>T on the plus strand (G>A on the coding strand, the complement: COL8A2 is on the minus strand). VCF-style: chr1-36099217-C-T. GRCh37 (hg19) VCF-style: chr1-36564818-C-T.
Other names: c.269G>A, p.Arg90Gln (NM_001294347.2); short protein forms R155Q, R90Q.
Identifiers: ClinVar variation 1248559 (VCV001248559.11), dbSNP rs75864656, ClinGen allele CA765113.

ClinVar aggregate classification (germline): Benign. Review status: criteria provided, multiple submitters, no conflicts (2 of 4 stars). 3 submissions from 3 submitters: Benign (3). Last evaluated 2026-01-19.

Allele frequency attached by ClinVar (database versions not stated): TOPMed 0.01317; 1000 Genomes Project 30x 0.03685; 1000 Genomes Project 0.03774; ExAC 0.05046; ESP Exome Variant Server 0.00080; gnomAD 0.00823 and 0.01088.
gnomAD v4.1: 11,901 of 1,537,620 alleles (0.77%); highest among the groups gnomAD compares: East Asian, 7%; 385 homozygotes.

Submissions (3):

Labcorp Genetics (formerly Invitae), Labcorp
Classification: Benign. Last evaluated: 2026-01-19. Review status: criteria provided, single submitter. Criteria: Invitae Variant Classification Sherloc (09022015). Collection method: clinical testing. Allele origin: germline.

GeneDx
Classification: Benign. Last evaluated: 2019-11-03. Review status: criteria provided, single submitter. Criteria: GeneDx Variant Classification Process June 2021. Collection method: clinical testing. Allele origin: germline. Affected: yes.
Comment: This variant is associated with the following publications: (PMID: 27884173, 11689488, 20981092, 21139683, 20144242)

Breakthrough Genomics
Classification: Benign. Review status: criteria provided, single submitter. Criteria: ACMG Guidelines, 2015. Collection method: not provided. Allele origin: germline. Inheritance: Autosomal dominant inheritance. Affected: yes.